The following is an entry in ClinVar:

Conditions:
Breast-ovarian cancer, familial, susceptibility to, 1 (BROVCA1). Also called: BRCA1 Hereditary Breast and Ovarian Cancer; OVARIAN CANCER, SUSCEPTIBILITY TO. Identifiers: Orphanet 145, MedGen C2676676, MONDO:0011450, OMIM 604370. Disease mechanism: loss of function.

Submission:

Brotman Baty Institute, University of Washington
No classification provided (evidence only). Condition: Breast-ovarian cancer, familial 1. Review status: no classification provided. Collection method: in vitro. Allele origin: not applicable. Functional consequence: functionally_normal.
ClinVar note: "not provided" was previously submitted as the classification for the variant. However, the classification appeared to be based only on an observation of functional data so it was converted to no classification on 2025-07-30.

NM_007294.4(BRCA1):c.4923T>A (p.Ala1641=)

Gene: BRCA1 (BRCA1 DNA repair associated; minus strand). Cytogenetic location: 17q21.31.
Variant type: single nucleotide variant.
Coding change: c.4923T>A on transcript NM_007294.4 (MANE Select); coding-DNA position 4923, T replaced by A.
Protein change: p.Ala1641=; no amino-acid change (alanine 1641 retained).
Molecular consequence: synonymous variant. On other transcripts: intron variant (1).
Genome position (GRCh38, 1-based): chr17:43,070,991, A>T on the plus strand (T>A on the coding strand, the complement: BRCA1 is on the minus strand). VCF-style: chr17-43070991-A-T. GRCh37 (hg19) VCF-style: chr17-41223008-A-T.
Other names: c.1467T>A, p.Ala489= (NM_001408470.1, NM_001408468.1, NM_001408469.1); c.1611T>A, p.Ala537= (NM_001408472.1, NM_007298.4, NM_007299.4 and 13 more transcripts); c.1608T>A, p.Ala536= (NM_001408473.1, NM_001408392.1, NM_001408396.1 and 8 more transcripts); c.1413T>A, p.Ala471= (NM_001408474.1); c.1410T>A, p.Ala470= (NM_001408475.1, NM_001408476.1); c.1404T>A, p.Ala468= (NM_001408478.1, NM_001408479.1, NM_001408480.1); c.1401T>A, p.Ala467= (NM_001408481.1, NM_001408482.1, NM_001408483.1 and 5 more transcripts); c.1398T>A, p.Ala466= (NM_001408492.1, NM_001408493.1); and 71 more.
Identifiers: ClinVar variation 868412 (VCV000868412.3), dbSNP rs876658258, ClinGen allele CA500231649.